The following is an entry in ClinVar:

ClinVar aggregate classification (germline): Conflicting classifications of pathogenicity. Review status: criteria provided, conflicting classifications (1 of 4 stars). 2 submissions from 2 submitters: Uncertain significance (1); Likely benign (1). Last evaluated 2025-09-09.

Conditions:
Hereditary cancer-predisposing syndrome. Also called: Neoplastic Syndromes, Hereditary; Hereditary neoplastic syndrome; Tumor predisposition; Hereditary Cancer Syndrome. Identifiers: Orphanet 140162, MedGen C0027672, MeSH D009386, MONDO:0015356.
Familial adenomatous polyposis 2. Also called: MYH-associated polyposis; FAP type 2; MUTYH-related attenuated familial adenomatous polyposis; Adenomas, multiple colorectal; ADENOMAS, MULTIPLE COLORECTAL, AUTOSOMAL RECESSIVE; MUTYH Polyposis. Identifiers: Orphanet 220460, Orphanet 247798, MedGen C3272841, MONDO:0012041, OMIM 608456.

Allele frequency attached by ClinVar (database versions not stated): gnomAD exomes below 0.00001.
gnomAD v4.1: 3 of 1,614,226 alleles (0.00019%); highest among the groups gnomAD compares: Non-Finnish European, 0.00025%; no homozygotes.

Submissions (2):

Ambry Genetics
Classification: Likely benign for Hereditary cancer-predisposing syndrome. Last evaluated: 2025-09-09. Review status: criteria provided, single submitter. Criteria: Ambry Variant Classification Scheme 2023. Collection method: clinical testing. Allele origin: germline.

Labcorp Genetics (formerly Invitae), Labcorp
Classification: Uncertain significance for Familial adenomatous polyposis 2. Last evaluated: 2023-09-10. Review status: criteria provided, single submitter. Criteria: Invitae Variant Classification Sherloc (09022015). Collection method: clinical testing. Allele origin: germline.
Comment: In summary, the available evidence is currently insufficient to determine the role of this variant in disease. Therefore, it has been classified as a Variant of Uncertain Significance. An algorithm developed to predict the effect of missense changes on protein structure and function (PolyPhen-2) suggests that this variant is likely to be disruptive. ClinVar contains an entry for this variant (Variation ID: 850383). This variant has not been reported in the literature in individuals affected with MUTYH-related conditions. This variant is not present in population databases (gnomAD no frequency). This sequence change replaces glycine, which is neutral and non-polar, with serine, which is neutral and polar, at codon 183 of the MUTYH protein (p.Gly183Ser).

Literature cited by the submitters: PubMed 40738107 (cited by Ambry Genetics).

NM_001048174.2(MUTYH):c.463G>A (p.Gly155Ser)

Gene: MUTYH (mutY DNA glycosylase; minus strand). Cytogenetic location: 1p34.1.
Variant type: single nucleotide variant.
Coding change: c.463G>A on transcript NM_001048174.2 (MANE Select); coding-DNA position 463, G replaced by A.
Protein change: p.Gly155Ser; replaces glycine 155 with serine.
Molecular consequence: missense variant. On other transcripts: non-coding transcript variant (2).
Genome position (GRCh38, 1-based): chr1:45,332,792, C>T on the plus strand (G>A on the coding strand, the complement: MUTYH is on the minus strand). VCF-style: chr1-45332792-C-T. GRCh37 (hg19) VCF-style: chr1-45798464-C-T.
Other names: c.463G>A, p.Gly155Ser (NM_001048171.2, NM_001048173.2, NM_001293195.2); c.466G>A, p.Gly156Ser (NM_001048172.2); c.547G>A, p.Gly183Ser (NM_001128425.2); c.508G>A, p.Gly170Ser (NM_001293190.2); c.496G>A, p.Gly166Ser (NM_001293191.2); c.187G>A, p.Gly63Ser (NM_001293192.2, NM_001293196.2); c.118G>A, p.Gly40Ser (NM_001350650.2, NM_001350651.2); c.538G>A, p.Gly180Ser (NM_012222.3); short protein forms G155S, G156S, G166S, G170S, G180S, G183S, G63S, G40S.
Identifiers: ClinVar variation 850383 (VCV000850383.11), dbSNP rs1645188053, ClinGen allele CA340135664.
Genomic context (GRCh38, chr1:45,332,792, plus strand): 5'-CTGGGTTCCTACCCTCCTGCCATCCCCTTACCTTCCGAGCTCCCTCCTGCAGCCGCCGGC[C>T]ACGAGAATAGTAGCCCAGGCCAGCCCAGAGTTGATTCACCTCCTGTGGGTAGGATCAGAG-3'
Protein context (NP_001041639.1, residues 145-165): LWAGLGYYSR[Gly155Ser]RRLQEGARKV